The following is an entry in ClinVar:

ClinVar aggregate classification (germline): Uncertain significance (1 of 4 stars; one submission).

Conditions:
Brody myopathy. Also called: BRODY DISEASE. Identifiers: Orphanet 53347, MedGen C1832918, MONDO:0010977, OMIM 601003.

Allele frequency attached by ClinVar (database versions not stated): ExAC 0.00001; gnomAD exomes 0.00001 and 0.00002; TOPMed 0.00002; gnomAD 0.00005 and 0.00006.

Submission:

Labcorp Genetics (formerly Invitae), Labcorp
Classification: Uncertain significance for Brody myopathy. Last evaluated: 2024-06-03. Review status: criteria provided, single submitter. Criteria: Invitae Variant Classification Sherloc (09022015). Collection method: clinical testing. Allele origin: germline.
Comment: This sequence change replaces cysteine, which is neutral and slightly polar, with arginine, which is basic and polar, at codon 70 of the ATP2A1 protein (p.Cys70Arg). This variant is present in population databases (rs752669373, gnomAD 0.008%). This variant has not been reported in the literature in individuals affected with ATP2A1-related conditions. ClinVar contains an entry for this variant (Variation ID: 648380). An algorithm developed to predict the effect of missense changes on protein structure and function (PolyPhen-2) suggests that this variant is likely to be disruptive. In summary, the available evidence is currently insufficient to determine the role of this variant in disease. Therefore, it has been classified as a Variant of Uncertain Significance.

NM_004320.6(ATP2A1):c.208T>C (p.Cys70Arg)

Genes: ATP2A1-AS1 (ATP2A1 antisense RNA 1; minus strand), ATP2A1 (ATPase sarcoplasmic/endoplasmic reticulum Ca2+ transporting 1; plus strand). Cytogenetic location: 16p11.2.
Variant type: single nucleotide variant.
Coding change: c.208T>C on transcript NM_004320.6 (MANE Select); coding-DNA position 208, T replaced by C.
Protein change: p.Cys70Arg; replaces cysteine 70 with arginine.
Molecular consequence: missense variant. On other transcripts: non-coding transcript variant (4).
Genome position (GRCh38, 1-based): chr16:28,879,572, T>C. VCF-style: chr16-28879572-T-C. GRCh37 (hg19) VCF-style: chr16-28890893-T-C.
Other names: c.208T>C, p.Cys70Arg (NM_173201.5); short protein forms C70R.
Identifiers: ClinVar variation 648380 (VCV000648380.8), dbSNP rs752669373, ClinGen allele CA7986567.